The following is an entry in ClinVar:

ClinVar aggregate classification (germline): Likely pathogenic. Review status: criteria provided, multiple submitters, no conflicts (2 of 4 stars). 2 submissions from 2 submitters: Likely pathogenic (2). Last evaluated 2024-09-23.

Conditions:
TUBGCP4-related disorder. Also called: TUBGCP4-related condition.

Allele frequency attached by ClinVar (database versions not stated): gnomAD exomes below 0.00001 and 0.00001; TOPMed below 0.00001.
gnomAD v4.1: 2 of 1,613,668 alleles (0.00012%); no homozygotes.

Submissions (2):

Labcorp Genetics (formerly Invitae), Labcorp
Classification: Likely pathogenic. Last evaluated: 2024-09-23. Review status: criteria provided, single submitter. Criteria: Invitae Variant Classification Sherloc (09022015). Collection method: clinical testing. Allele origin: germline.
Comment: This sequence change affects a donor splice site in intron 6 of the TUBGCP4 gene. It is expected to disrupt RNA splicing. Variants that disrupt the donor or acceptor splice site typically lead to a loss of protein function (PMID: 16199547), and loss-of-function variants in TUBGCP4 are known to be pathogenic (PMID: 25817018). This variant is present in population databases (no rsID available, gnomAD 0.004%). This variant has not been reported in the literature in individuals affected with TUBGCP4-related conditions. ClinVar contains an entry for this variant (Variation ID: 1465015). Algorithms developed to predict the effect of sequence changes on RNA splicing suggest that this variant may disrupt the consensus splice site. In summary, the currently available evidence indicates that the variant is pathogenic, but additional data are needed to prove that conclusively. Therefore, this variant has been classified as Likely Pathogenic.

Blueprint Genetics
Classification: Likely pathogenic for TUBGCP4-related disorders. Last evaluated: 2022-01-11. Review status: criteria provided, single submitter. Criteria: ACMG Guidelines, 2015. Collection method: clinical testing. Allele origin: germline. Affected: yes. Observed: 1 variant allele.

Literature cited by the submitters: PubMed 16199547 (cited by Labcorp Genetics (formerly Invitae), Labcorp); PubMed 25817018 (cited by Labcorp Genetics (formerly Invitae), Labcorp).

NM_014444.5(TUBGCP4):c.521+1G>C

Gene: TUBGCP4 (tubulin gamma complex component 4; plus strand). Cytogenetic location: 15q15.3.
Variant type: single nucleotide variant.
Coding change: c.521+1G>C on transcript NM_014444.5 (MANE Select); the canonical splice donor site of the intron after coding-DNA position 521, G replaced by C.
Molecular consequence: splice donor variant.
Genome position (GRCh38, 1-based): chr15:43,380,164, G>C. VCF-style: chr15-43380164-G-C. GRCh37 (hg19) VCF-style: chr15-43672362-G-C.
Other names: c.521+1G>C (NM_001286414.3).
Identifiers: ClinVar variation 1465015 (VCV001465015.9), dbSNP rs1360278309, ClinGen allele CA392119259.